The following is an entry in ClinVar:

ClinVar aggregate classification (germline): Uncertain significance (1 of 4 stars; one submission).

gnomAD v4.1: 2 of 1,471,072 alleles (0.00014%); highest among the groups gnomAD compares: Admixed American, 0.0052%; no homozygotes.

Submission:

Dasa
Classification: Uncertain significance. Last evaluated: 2026-01-27. Review status: criteria provided, single submitter. Criteria: DASA Assertion Criteria. Collection method: clinical testing. Allele origin: germline.
Comment: NM_138576.4(BCL11B):c.1061T>C (p.Met354Thr) is a missense variant that results in the substitution of methionine with threonine. This variant is rare in population databases. The currently available literature and clinical evidence are not sufficient to establish a definitive association between this variant and the reported condition. Therefore, this variant is classified as a variant of uncertain significance.

NM_138576.4(BCL11B):c.1061T>C (p.Met354Thr)

Gene: BCL11B (BCL11 transcription factor B; minus strand). Cytogenetic location: 14q32.2.
Variant type: single nucleotide variant.
Coding change: c.1061T>C on transcript NM_138576.4 (MANE Select); coding-DNA position 1061, T replaced by C.
Protein change: p.Met354Thr; replaces methionine 354 with threonine.
Molecular consequence: missense variant.
Genome position (GRCh38, 1-based): chr14:99,175,775, A>G on the plus strand (T>C on the coding strand, the complement: BCL11B is on the minus strand). VCF-style: chr14-99175775-A-G. GRCh37 (hg19) VCF-style: chr14-99642112-A-G.
Other names: c.1058T>C, p.Met353Thr (NM_001282237.2); c.845T>C, p.Met282Thr (NM_001282238.2); c.848T>C, p.Met283Thr (NM_022898.3); short protein forms M282T, M283T, M353T, M354T.
Identifiers: ClinVar variation 5020720 (VCV005020720.1).